The following is an entry in ClinVar:

NM_002303.6(LEPR):c.1061A>G (p.Tyr354Cys)

Gene: LEPR (leptin receptor; plus strand). Cytogenetic location: 1p31.3.
Variant type: single nucleotide variant.
Coding change: c.1061A>G on transcript NM_002303.6 (MANE Select); coding-DNA position 1061, A replaced by G.
Protein change: p.Tyr354Cys; replaces tyrosine 354 with cysteine.
Molecular consequence: missense variant.
Genome position (GRCh38, 1-based): chr1:65,601,458, A>G. VCF-style: chr1-65601458-A-G. GRCh37 (hg19) VCF-style: chr1-66067141-A-G.
Other names: c.1061A>G, p.Tyr354Cys (NM_001003679.3, NM_001003680.3, NM_001198687.2 and 2 more transcripts); short protein forms Y354C.
Identifiers: ClinVar variation 3355467 (VCV003355467.2).

ClinVar aggregate classification (germline): Uncertain significance (1 of 4 stars; one submission).

Conditions:
LEPR-related disorder. Also called: LEPR-related disorders; LEPR-related condition.

gnomAD v4.1: 24 of 1,613,666 alleles (0.0015%); highest among the groups gnomAD compares: East Asian, 0.018%; no homozygotes.

Submission:

PreventionGenetics, part of Exact Sciences
Classification: Uncertain significance for LEPR-related condition. Last evaluated: 2026-06-04. Review status: criteria provided, single submitter. Criteria: ACMG Guidelines, 2015. Collection method: clinical testing. Allele origin: germline.
Comment: The LEPR c.1061A>G variant is predicted to result in the amino acid substitution p.Tyr354Cys. This variant has been reported in a cohort of individuals with obesity (Table S1, Sket et al. 2022. PubMed ID: 35574020). This variant has also been observed in a cohort of individuals with obesity, however in vitro functional studies showed function similar to control (Supplemental Data Set, Shah et al. 2023. PubMed ID: 36864747). This variant is reported in 0.033% of alleles in individuals of East Asian descent in gnomAD. At this time, the clinical significance of this variant is uncertain due to the absence of conclusive functional and genetic evidence.